The following is an entry in ClinVar:

NM_012200.4(B3GAT3):c.496G>T (p.Asp166Tyr)

Gene: B3GAT3 (beta-1,3-glucuronyltransferase 3; minus strand). Cytogenetic location: 11q12.3.
Variant type: single nucleotide variant.
Coding change: c.496G>T on transcript NM_012200.4 (MANE Select); coding-DNA position 496, G replaced by T.
Protein change: p.Asp166Tyr; replaces aspartic acid 166 with tyrosine.
Molecular consequence: missense variant. On other transcripts: non-coding transcript variant (1).
Genome position (GRCh38, 1-based): chr11:62,617,109, C>A on the plus strand (G>T on the coding strand, the complement: B3GAT3 is on the minus strand). VCF-style: chr11-62617109-C-A. GRCh37 (hg19) VCF-style: chr11-62384581-C-A.
Other names: c.475G>T, p.Asp159Tyr (NM_001288721.2); c.496G>T, p.Asp166Tyr (NM_001288722.2, NM_001288723.2); short protein forms D166Y, D159Y.
Identifiers: ClinVar variation 1492112 (VCV001492112.8), dbSNP rs2134430036, ClinGen allele CA380976882.
Genomic context (GRCh38, chr11:62,617,109, plus strand): 5'-TCCCTGGTGGTGGTGGGTCCTTCTCCCCACCCACAGCACCCCCTCTGCCCCGGAGCCAGT[C>A]CAGGGCCTTGTTCCGCTGCTCGACACCACGGGGATGAACCCAGCCAGGCTCGCCCTCCCG-3'
Protein context (NP_036332.2, residues 156-176): RGVEQRNKAL[Asp166Tyr]WLRGRGGAVG

ClinVar aggregate classification (germline): Uncertain significance (1 of 4 stars; one submission).

Conditions:
Larsen-like syndrome, B3GAT3 type. Also called: Multiple joint dislocations, short stature, craniofacial dysmorphism, with or without congenital heart defects; MULTIPLE JOINT DISLOCATIONS, SHORT STATURE, AND CRANIOFACIAL DYSMORPHISM WITH OR WITHOUT CONGENITAL HEART DEFECTS. Identifiers: Orphanet 284139, MedGen CN034159, MONDO:0009511, OMIM 245600.

Submission:

Labcorp Genetics (formerly Invitae), Labcorp
Classification: Uncertain significance for Larsen-like syndrome, B3GAT3 type. Last evaluated: 2020-12-08. Review status: criteria provided, single submitter. Criteria: Invitae Variant Classification Sherloc (09022015). Collection method: clinical testing. Allele origin: germline.
Comment: This variant has not been reported in the literature in individuals with B3GAT3-related conditions. Algorithms developed to predict the effect of missense changes on protein structure and function are either unavailable or do not agree on the potential impact of this missense change (SIFT: "Deleterious"; PolyPhen-2: "Benign"; Align-GVGD: "Class C0"). In summary, the available evidence is currently insufficient to determine the role of this variant in disease. Therefore, it has been classified as a Variant of Uncertain Significance. This variant is not present in population databases (ExAC no frequency). This sequence change replaces aspartic acid with tyrosine at codon 166 of the B3GAT3 protein (p.Asp166Tyr). The aspartic acid residue is weakly conserved and there is a large physicochemical difference between aspartic acid and tyrosine.